The following is an entry in ClinVar:

ClinVar aggregate classification (germline): Uncertain significance (1 of 4 stars; one submission).

Submission:

Dasa
Classification: Uncertain significance. Last evaluated: 2025-08-15. Review status: criteria provided, single submitter. Criteria: DASA Assertion Criteria. Collection method: clinical testing. Allele origin: germline.
Comment: NM_018684.4(ZC4H2):c.226-6T>A is a splice-region variant predicted to affect normal RNA splicing. This variant is absent from population databases. Computational prediction algorithms are consistent with a deleterious effect. The currently available literature and clinical evidence are not sufficient to establish a definitive association between this variant and the reported condition. Therefore, this variant is classified as a variant of uncertain significance.

NM_018684.4(ZC4H2):c.226-6T>A

Gene: ZC4H2 (zinc finger C4H2-type containing; minus strand). Cytogenetic location: Xq11.2.
Variant type: single nucleotide variant.
Coding change: c.226-6T>A on transcript NM_018684.4 (MANE Select); 6 bases into the intron before coding-DNA position 226, T replaced by A.
Molecular consequence: intron variant.
Genome position (GRCh38, 1-based): chrX:64,920,259, A>T on the plus strand (T>A on the coding strand, the complement: ZC4H2 is on the minus strand). VCF-style: chrX-64920259-A-T. GRCh37 (hg19) VCF-style: chrX-64140139-A-T.
Other names: c.157-6T>A (NM_001243804.2, NM_001178032.3); c.226-6T>A (NM_001178033.3).
Identifiers: ClinVar variation 4882356 (VCV004882356.2).